The following is an entry in ClinVar:

ClinVar aggregate classification (germline): Pathogenic/Likely pathogenic. Review status: criteria provided, multiple submitters, no conflicts (2 of 4 stars). 3 submissions from 3 submitters: Pathogenic (1); Likely pathogenic (2). Last evaluated 2026-07-31.

Conditions:
MYBPC3-related disorder. Also called: MYBPC3-related disorders; MYBPC3-related condition; MYBPC3-related disease.
Hypertrophic cardiomyopathy. Also called: HYPERTROPHIC MYOCARDIOPATHY. Identifiers: Orphanet 217569, MedGen C0007194, MeSH D002312, MONDO:0005045, HP:0001639.
Cardiovascular phenotype. Identifiers: MedGen CN230736.

Submissions (3):

Ambry Genetics
Classification: Pathogenic for Cardiovascular phenotype. Last evaluated: 2026-07-31. Review status: criteria provided, single submitter. Criteria: Ambry Variant Classification Scheme 2023. Collection method: clinical testing. Allele origin: germline.
Comment: The p.Q208* pathogenic mutation (also known as c.622C>T), located in coding exon 5 of the MYBPC3 gene, results from a C to T substitution at nucleotide position 622. This changes the amino acid from a glutamine to a stop codon within coding exon 5. This variant was reported in individual(s) with features consistent with hypertrophic cardiomyopathy (Bai L et al. ESC Heart Fail, 2023 Feb;10:705-708). This variant is considered to be rare based on population cohorts in the Genome Aggregation Database (gnomAD). This alteration is expected to result in loss of function by premature protein truncation or nonsense-mediated mRNA decay. As such, this alteration is interpreted as a disease-causing mutation.

Blueprint Genetics
Classification: Likely pathogenic for MYBPC3-related disorders. Last evaluated: 2024-03-18. Review status: criteria provided, single submitter. Criteria: ACMG Guidelines, 2015. Collection method: clinical testing. Allele origin: germline. Affected: yes. Observed: 1 variant allele.

Laboratory for Molecular Medicine, Mass General Brigham Personalized Medicine
Classification: Likely pathogenic for Hypertrophic cardiomyopathy. Last evaluated: 2018-09-19. Review status: criteria provided, single submitter. Criteria: LMM Criteria. Collection method: clinical testing. Allele origin: germline. Inheritance: Autosomal dominant inheritance. Observed: 2 variant alleles.
Comment: The p.Gln208X variant in MYBPC3 has not been previously reported in individuals with cardiomyopathy and was absent from large population studies. This nonsense variant leads to a premature termination codon at position 208, which is predict ed to lead to a truncated or absent protein. Loss of function of the MYBPC3 gene is an established disease mechanism in autosomal dominant hypertrophic cardiomy opathy. In summary, although additional studies are required to fully establish its clinical significance, the p.Gln208X variant is likely pathogenic. ACMG/AMP Criteria applied: PVS1, PM2.

Literature cited by the submitters: PubMed 36178133 (cited by Ambry Genetics).

NM_000256.3(MYBPC3):c.622C>T (p.Gln208Ter)

Gene: MYBPC3 (myosin binding protein C3; minus strand). Cytogenetic location: 11p11.2.
Variant type: single nucleotide variant.
Coding change: c.622C>T on transcript NM_000256.3 (MANE Select); coding-DNA position 622, C replaced by T.
Protein change: p.Gln208Ter; replaces glutamine 208 with a stop codon.
Molecular consequence: nonsense.
Genome position (GRCh38, 1-based): chr11:47,349,806, G>A on the plus strand (C>T on the coding strand, the complement: MYBPC3 is on the minus strand). VCF-style: chr11-47349806-G-A. GRCh37 (hg19) VCF-style: chr11-47371357-G-A.
Other names: short protein forms Q208*.
Identifiers: ClinVar variation 667411 (VCV000667411.6), dbSNP rs1595849603, ClinGen allele CA380337398.